The following is an entry in ClinVar:

ClinVar aggregate classification (germline): Pathogenic. Review status: criteria provided, multiple submitters, no conflicts (2 of 4 stars). 2 submissions from 2 submitters: Pathogenic (2). Last evaluated 2025-08-20.

Conditions:
Hereditary cancer-predisposing syndrome. Also called: Hereditary Cancer Syndrome; Hereditary neoplastic syndrome; Neoplastic Syndromes, Hereditary; Tumor predisposition. Identifiers: Orphanet 140162, MedGen C0027672, MeSH D009386, MONDO:0015356.
Hereditary breast ovarian cancer syndrome. Also called: Hereditary breast and ovarian cancer; BRCA1- and BRCA2-Associated Hereditary Breast and Ovarian Cancer; Hereditary breast and ovarian cancer syndrome (HBOC); Hereditary breast and ovarian cancer syndrome; Breast and ovarian cancer; Hereditary breast and/or ovarian cancer syndrome. Identifiers: Orphanet 145, MedGen C0677776, MeSH D061325, MONDO:0003582. Disease mechanism: loss of function.

Submissions (2):

Labcorp Genetics (formerly Invitae), Labcorp
Classification: Pathogenic for Hereditary breast ovarian cancer syndrome. Last evaluated: 2025-08-20. Review status: criteria provided, single submitter. Criteria: Invitae Variant Classification Sherloc (09022015). Collection method: clinical testing. Allele origin: germline.
Comment: This sequence change creates a premature translational stop signal (p.Leu452Profs*10) in the BRCA2 gene. It is expected to result in an absent or disrupted protein product. Loss-of-function variants in BRCA2 are known to be pathogenic (PMID: 20104584). This variant is not present in population databases (gnomAD no frequency). This variant has not been reported in the literature in individuals affected with BRCA2-related conditions. ClinVar contains an entry for this variant (Variation ID: 1770667). For these reasons, this variant has been classified as Pathogenic.

Ambry Genetics
Classification: Pathogenic for Hereditary cancer-predisposing syndrome. Last evaluated: 2016-01-05. Review status: criteria provided, single submitter. Criteria: Ambry Variant Classification Scheme 2023. Collection method: clinical testing. Allele origin: germline.
Comment: The c.1354dupC variant, located in coding exon 9 of the BRCA2 gene, results from a duplication of C at nucleotide position 1354, causing a translational frameshift with a predicted alternate stop codon. Since frameshifts are typically deleterious in nature, this alteration is interpreted as a disease-causing mutation (ACMG Recommendations for Standards for Interpretation and Reporting of Sequence Variations. Revision 2007. Genet Med. 2008;10:294).

Literature cited by the submitters: PubMed 20104584 (cited by Labcorp Genetics (formerly Invitae), Labcorp).

NM_000059.4(BRCA2):c.1354dup (p.Leu452fs)

Gene: BRCA2 (BRCA2 DNA repair associated; plus strand). Cytogenetic location: 13q13.1.
Variant type: Duplication.
Coding change: c.1354dup on transcript NM_000059.4 (MANE Select); coding-DNA position 1354, one base duplicated (C; older notation c.1354dupC).
Protein change: p.Leu452fs; shifts the reading frame from leucine 452.
Molecular consequence: frameshift variant.
Genome position (GRCh38, 1-based): chr13:32,332,832, C duplicated; the last of 2 consecutive C bases (chr13:32,332,831-32,332,832); duplicating either gives the same sequence. VCF-style (leftmost placement, unchanged base first): chr13-32332830-G-GC. GRCh37 (hg19) VCF-style: chr13-32906967-G-GC.
Other names: c.1354dup, p.Leu452Profs (NM_001406719.1, NM_001406720.1, NM_001406721.1); c.1354dupC (NM_000059.3); short protein forms L452fs.
Identifiers: ClinVar variation 1770667 (VCV001770667.5), dbSNP rs2548520114, ClinGen allele CA2580087000.
Genomic context (GRCh38, chr13:32,332,830, plus strand): 5'-CAGAGAACAAAAGAAAGAAAGATTTTCTTACTTCAGAGAATTCTTTGCCACGTATTTCTA[G>GC]CCTACCAAAATCAGAGAAGCCATTAAATGAGGAAACAGTGGTAAATAAGAGAGATGAAGA-3'